The following is an entry in ClinVar:

NM_005751.5(AKAP9):c.6037G>A (p.Glu2013Lys)

Gene: AKAP9 (A-kinase anchoring protein 9; plus strand). Cytogenetic location: 7q21.2.
Variant type: single nucleotide variant.
Coding change: c.6037G>A on transcript NM_005751.5 (MANE Select); coding-DNA position 6037, G replaced by A.
Protein change: p.Glu2013Lys; replaces glutamic acid 2013 with lysine.
Molecular consequence: missense variant.
Genome position (GRCh38, 1-based): chr7:92,065,290, G>A. VCF-style: chr7-92065290-G-A. GRCh37 (hg19) VCF-style: chr7-91694604-G-A.
Other names: c.682G>A, p.Glu228Lys (NM_001379277.1); c.6037G>A, p.Glu2013Lys (NM_147185.3); short protein forms E2013K, E228K.
Identifiers: ClinVar variation 191518 (VCV000191518.53), dbSNP rs61757671, ClinGen allele CA236876.

ClinVar aggregate classification (germline): Conflicting classifications of pathogenicity. Review status: criteria provided, conflicting classifications (1 of 4 stars). 13 submissions from 13 submitters: Uncertain significance (1); Likely benign (8). 4 of the submissions do not count toward it. Last evaluated 2026-01-24.

Conditions:
AKAP9-related disorder. Also called: AKAP9-related condition.
Cardiovascular phenotype. Identifiers: MedGen CN230736.
Long QT syndrome (LQTS). Identifiers: MedGen C0023976, MeSH D008133, MONDO:0002442. Disease mechanism: loss of function. Inheritance: Various modes of inheritance.
Long QT syndrome 11 (LQT11). Identifiers: Orphanet 101016, Orphanet 768, MedGen C2678483, MONDO:0012738, OMIM 611820.

Allele frequency attached by ClinVar (database versions not stated): 1000 Genomes Project 0.00040; 1000 Genomes Project 30x 0.00047; gnomAD exomes 0.00109 and 0.00248; ExAC 0.00117; TOPMed 0.00136; gnomAD 0.00138 and 0.00142; ESP Exome Variant Server 0.00269.
gnomAD v4.1: 3,892 of 1,612,892 alleles (0.24%); highest among the groups gnomAD compares: Non-Finnish European, 0.3%; 9 homozygotes.

Submissions (13):

Labcorp Genetics (formerly Invitae), Labcorp
Classification: Likely benign for Long QT syndrome. Last evaluated: 2026-01-24. Review status: criteria provided, single submitter. Criteria: Invitae Variant Classification Sherloc (09022015). Collection method: clinical testing. Allele origin: germline.

CeGaT Center for Human Genetics Tuebingen
Classification: Likely benign. Last evaluated: 2025-10-01. Review status: criteria provided, single submitter. Criteria: CeGaT Center For Human Genetics Tuebingen Variant Classification Criteria Version 2. Collection method: clinical testing. Allele origin: germline. Affected: yes. Observed: 2 variant alleles.
Comment: AKAP9: BS1

Blueprint Genetics
Classification: Likely benign. Last evaluated: 2024-11-20. Review status: criteria provided, single submitter. Criteria: ACMG Guidelines, 2015. Collection method: clinical testing. Allele origin: germline.

Women's Health and Genetics/Laboratory Corporation of America, LabCorp
Classification: Likely benign. Last evaluated: 2021-11-21. Review status: criteria provided, single submitter. Criteria: LabCorp Variant Classification Summary - May 2015. Collection method: clinical testing. Allele origin: germline.

GeneDx
Classification: Likely benign. Last evaluated: 2018-11-15. Review status: criteria provided, single submitter. Criteria: GeneDx Variant Classification Process June 2021. Collection method: clinical testing. Allele origin: germline. Affected: yes.
Comment: This variant is associated with the following publications: (PMID: 28973083)

Ambry Genetics
Classification: Likely benign for Cardiovascular phenotype. Last evaluated: 2018-09-26. Review status: criteria provided, single submitter. Criteria: Ambry Variant Classification Scheme 2023. Collection method: clinical testing. Allele origin: germline.

ARUP Laboratories, Molecular Genetics and Genomics, ARUP Laboratories
Classification: Likely benign for Long QT syndrome 11. Last evaluated: 2018-07-12. Review status: criteria provided, single submitter. Criteria: ARUP Molecular Germline Variant Investigation Process. Collection method: clinical testing. Allele origin: germline.

Eurofins Ntd Llc (ga)
Classification: Uncertain significance. Last evaluated: 2015-01-04. Review status: criteria provided, single submitter. Criteria: EGL Classification Definitions 2015. Collection method: clinical testing. Allele origin: germline. Observed: 1 variant allele, 1 heterozygote.

Biesecker Lab/Clinical Genomics Section, National Institutes of Health
Classification: Likely benign. Last evaluated: 2013-06-24. Review status: criteria provided, single submitter. Criteria: Ng et al. (Circ Cardiovasc Genet. 2013). Collection method: research. Allele origin: unknown. Observed: 3 variant alleles. Study: ClinSeq.
Comment: The study set was not selected for affection status in relation to any cancer. Pathogenicity categories were based on literature curation. See Pubmed ID:23861362 for details.

Medical sequencing

PreventionGenetics, part of Exact Sciences
Classification: Likely benign for AKAP9-related condition. Last evaluated: 2019-05-03. Review status: no assertion criteria provided. Collection method: clinical testing. Allele origin: germline. Not counted in ClinVar's aggregate classification.
Comment: This variant is classified as likely benign based on ACMG/AMP sequence variant interpretation guidelines (Richards et al. 2015 PMID: 25741868, with internal and published modifications).

Clinical Genetics, Academic Medical Center
Classification: Likely benign. Review status: no assertion criteria provided. Collection method: clinical testing. Allele origin: germline. Affected: yes. Study: VKGL Data-share Consensus. Not counted in ClinVar's aggregate classification.

Genome Diagnostics Laboratory, University Medical Center Utrecht
Classification: Likely benign. Review status: no assertion criteria provided. Collection method: clinical testing. Allele origin: germline. Affected: yes. Study: VKGL Data-share Consensus. Not counted in ClinVar's aggregate classification.

Joint Genome Diagnostic Labs from Nijmegen and Maastricht, Radboudumc and MUMC+
Classification: Likely benign. Review status: no assertion criteria provided. Collection method: clinical testing. Allele origin: germline. Affected: yes. Study: VKGL Data-share Consensus. Not counted in ClinVar's aggregate classification.

Literature cited by the submitters: PubMed 23861362 (cited by Ambry Genetics).